The following is an entry in ClinVar:

ClinVar aggregate classification (germline): Conflicting classifications of pathogenicity. Review status: criteria provided, conflicting classifications (1 of 4 stars). 17 submissions from 17 submitters: Uncertain significance (1); Benign (9); Likely benign (2). 5 of the submissions do not count toward it. Last evaluated 2026-09-01.

Conditions:
Inborn genetic diseases. Identifiers: MedGen C0950123, MeSH D030342.
Neuronal ceroid lipofuscinosis. Also called: Neuronal Ceroid Lipofuscinoses. Identifiers: Orphanet 216, Orphanet 79263, MedGen C0027877, MONDO:0016295. Disease mechanism: loss of function.
Neuronal ceroid lipofuscinosis 5 (CLN5). Also called: CEROID LIPOFUSCINOSIS, NEURONAL, 5, VARIABLE AGE AT ONSET; Neuronal ceroid lipofuscinosis Finnish variant; NEURONAL CEROID LIPOFUSCINOSIS, LATE INFANTILE, FINNISH VARIANT; CLN5-Related Neuronal Ceroid-Lipofuscinosis. Identifiers: Orphanet 168491, Orphanet 228360, MedGen C1850442, MONDO:0009745, OMIM 256731.

Allele frequency attached by ClinVar (database versions not stated): 1000 Genomes Project 0.00399; 1000 Genomes Project 30x 0.00406; TOPMed 0.00836; gnomAD 0.00904 and 0.00910; gnomAD exomes 0.00933 and 0.01378; ExAC 0.00984; ESP Exome Variant Server 0.01030.
gnomAD v4.1: 21,394 of 1,611,868 alleles (1.3%); highest among the groups gnomAD compares: Non-Finnish European, 1.6%; 168 homozygotes.

Submissions (17):

CeGaT Center for Human Genetics Tuebingen
Classification: Benign. Last evaluated: 2026-09-01. Review status: criteria provided, single submitter. Criteria: CeGaT Center For Human Genetics Tuebingen Variant Classification Criteria Version 2. Collection method: clinical testing. Allele origin: germline. Affected: yes. Observed: 36 variant alleles.
Comment: CLN5: BS1, BS2

Labcorp Genetics (formerly Invitae), Labcorp
Classification: Benign for Neuronal ceroid lipofuscinosis. Last evaluated: 2026-02-04. Review status: criteria provided, single submitter. Criteria: Invitae Variant Classification Sherloc (09022015). Collection method: clinical testing. Allele origin: germline.

Blueprint Genetics
Classification: Likely benign. Last evaluated: 2024-11-27. Review status: criteria provided, single submitter. Criteria: ACMG Guidelines, 2015. Collection method: clinical testing. Allele origin: germline.

Genomic Medicine Center of Excellence, King Faisal Specialist Hospital and Research Centre
Classification: Benign for Neuronal ceroid lipofuscinosis 5. Last evaluated: 2024-03-26. Review status: criteria provided, single submitter. Criteria: ACMG Guidelines, 2015. Collection method: clinical testing. Allele origin: germline.

Women's Health and Genetics/Laboratory Corporation of America, LabCorp
Classification: Likely benign. Last evaluated: 2021-12-17. Review status: criteria provided, single submitter. Criteria: LabCorp Variant Classification Summary - May 2015. Collection method: clinical testing. Allele origin: germline.

Genome-Nilou Lab
Classification: Benign for Neuronal ceroid lipofuscinosis 5. Last evaluated: 2021-05-18. Review status: criteria provided, single submitter. Criteria: ACMG Guidelines, 2015. Collection method: clinical testing. Allele origin: germline. Affected: no.

Athena Diagnostics
Classification: Benign. Last evaluated: 2018-12-27. Review status: criteria provided, single submitter. Criteria: Athena Diagnostics Criteria. Collection method: clinical testing. Allele origin: germline.

GeneDx
Classification: Benign. Last evaluated: 2018-12-12. Review status: criteria provided, single submitter. Criteria: GeneDx Variant Classification Process June 2021. Collection method: clinical testing. Allele origin: germline. Affected: yes.
Comment: This variant is associated with the following publications: (PMID: 24767253, 21990111)

SIB Swiss Institute of Bioinformatics
Classification: Benign for Neuronal ceroid lipofuscinosis 5. Last evaluated: 2018-10-15. Review status: criteria provided, single submitter. Criteria: ACMG Guidelines, 2015. Collection method: curation. Allele origin: unknown.
Comment: This variant is interpreted as Benign, for Ceroid lipofuscinosis, neuronal, 5, autosomal recessive. The following ACMG Tag(s) were applied: BS1 => Allele frequency is greater than expected for disorder. BS2 => Observed in a healthy adult individual for a recessive (homozygous), dominant (heterozygous), or X-linked (hemizygous) disorder, with full penetrance expected at an early age.

Illumina Laboratory Services, Illumina
Classification: Uncertain significance for Neuronal ceroid lipofuscinosis 5. Last evaluated: 2018-01-19. Review status: criteria provided, single submitter. Criteria: ICSL Variant Classification Criteria 13 December 2019. Collection method: clinical testing. Allele origin: germline.

Ambry Genetics
Classification: Benign for Inborn genetic diseases. Last evaluated: 2016-05-17. Review status: criteria provided, single submitter. Criteria: Ambry Variant Classification Scheme 2023. Collection method: clinical testing. Allele origin: germline.

Eurofins Ntd Llc (ga)
Classification: Benign. Last evaluated: 2014-05-14. Review status: criteria provided, single submitter. Criteria: EGL Classification Definitions 2015. Collection method: clinical testing. Allele origin: germline. Observed: 2 variant alleles, 2 heterozygotes.

Natera, Inc.
Classification: Benign for Neuronal ceroid lipofuscinosis 5. Last evaluated: 2019-12-27. Review status: no assertion criteria provided. Collection method: clinical testing. Allele origin: germline. Not counted in ClinVar's aggregate classification.

Mayo Clinic Laboratories, Mayo Clinic
Classification: Uncertain significance. Last evaluated: 2015-12-16. Review status: no assertion criteria provided. Collection method: clinical testing. Allele origin: unknown. Not counted in ClinVar's aggregate classification.

Diagnostic Laboratory, Department of Genetics, University Medical Center Groningen
Classification: Likely benign for Neuronal ceroid lipofuscinosis 5. Review status: no assertion criteria provided. Collection method: clinical testing. Allele origin: germline. Affected: yes. Study: VKGL Data-share Consensus. Not counted in ClinVar's aggregate classification.

Genome Diagnostics Laboratory, Amsterdam University Medical Center
Classification: Benign. Review status: no assertion criteria provided. Collection method: clinical testing. Allele origin: germline. Affected: yes. Study: VKGL Data-share Consensus. Not counted in ClinVar's aggregate classification.

Genome Diagnostics Laboratory, University Medical Center Utrecht
Classification: Likely benign. Review status: no assertion criteria provided. Collection method: clinical testing. Allele origin: germline. Affected: yes. Study: VKGL Data-share Consensus. Not counted in ClinVar's aggregate classification.

Literature cited by the submitters: PubMed 21990111 (cited by Athena Diagnostics); PubMed 24767253 (cited by Athena Diagnostics).

NM_006493.4(CLN5):c.579C>A (p.Asn193Lys)

Gene: CLN5 (CLN5 lysosomal BMP synthase; plus strand). Cytogenetic location: 13q22.3.
Variant type: single nucleotide variant.
Coding change: c.579C>A on transcript NM_006493.4 (MANE Select); coding-DNA position 579, C replaced by A.
Protein change: p.Asn193Lys; replaces asparagine 193 with lysine.
Molecular consequence: missense variant. On other transcripts: 3 prime UTR variant (1).
Genome position (GRCh38, 1-based): chr13:77,000,471, C>A. VCF-style: chr13-77000471-C-A. GRCh37 (hg19) VCF-style: chr13-77574606-C-A.
Other names: p.N242K:AAC>AAA; c.726C>A (LRG_692t1); c.*28C>A (NM_001366624.2); short protein forms N193K.
Identifiers: ClinVar variation 136794 (VCV000136794.58), dbSNP rs138611001, ClinGen allele CA302986.
Genomic context (GRCh38, chr13:77,000,471, plus strand): 5'-GATTAGCTTTGTTCACTAGGTGACTTTGTTTTGTTTTTTTAAACTAGGAAACATGTTCAA[C>A]CAAATGGCAAAGTGGGTGAAACAGGACAATGAAACAGGAATTTATTATGAGACATGGAAT-3'
Protein context (NP_006484.2, residues 183-203): QVATISGNMF[Asn193Lys]QMAKWVKQDN